The following is an entry in ClinVar:

NM_005908.4(MANBA):c.2632A>G (p.Ile878Val)

Gene: MANBA (mannosidase beta; minus strand). Cytogenetic location: 4q24.
Variant type: single nucleotide variant.
Coding change: c.2632A>G on transcript NM_005908.4 (MANE Select); coding-DNA position 2632, A replaced by G.
Protein change: p.Ile878Val; replaces isoleucine 878 with valine.
Molecular consequence: missense variant.
Genome position (GRCh38, 1-based): chr4:102,632,065, T>C on the plus strand (A>G on the coding strand, the complement: MANBA is on the minus strand). VCF-style: chr4-102632065-T-C. GRCh37 (hg19) VCF-style: chr4-103553222-T-C.
Other names: short protein forms I878V.
Identifiers: ClinVar variation 1507156 (VCV001507156.3), dbSNP rs1409396131, ClinGen allele CA357756043.

ClinVar aggregate classification (germline): Uncertain significance (1 of 4 stars; one submission).

Conditions:
Beta-D-mannosidosis (MANSB). Also called: Beta-Mannosidosis; MANNOSIDOSIS, BETA A, LYSOSOMAL; BETA-MANNOSIDASE DEFICIENCY; LYSOSOMAL BETA-MANNOSIDASE DEFICIENCY. Identifiers: Orphanet 118, MedGen C4048196, MONDO:0009562, OMIM 248510.

Allele frequency attached by ClinVar (database versions not stated): gnomAD 0.00001.
gnomAD v4.1: 1 of 1,596,658 alleles (0.000063%); highest among the groups gnomAD compares: African/African-American, 0.0013%; no homozygotes.

Submission:

Labcorp Genetics (formerly Invitae), Labcorp
Classification: Uncertain significance for Beta-D-mannosidosis. Last evaluated: 2021-11-16. Review status: criteria provided, single submitter. Criteria: Invitae Variant Classification Sherloc (09022015). Collection method: clinical testing. Allele origin: germline.
Comment: This sequence change replaces isoleucine, which is neutral and non-polar, with valine, which is neutral and non-polar, at codon 878 of the MANBA protein (p.Ile878Val). This variant is not present in population databases (gnomAD no frequency). This variant has not been reported in the literature in individuals affected with MANBA-related conditions. Algorithms developed to predict the effect of missense changes on protein structure and function (SIFT, PolyPhen-2, Align-GVGD) all suggest that this variant is likely to be tolerated. In summary, the available evidence is currently insufficient to determine the role of this variant in disease. Therefore, it has been classified as a Variant of Uncertain Significance.